The following is an entry in ClinVar:

NM_030922.7(NIPA2):c.617T>C (p.Leu206Pro)

Gene: NIPA2 (NIPA magnesium transporter 2; plus strand). Cytogenetic location: 15q11.2.
Variant type: single nucleotide variant.
Coding change: c.617T>C on transcript NM_030922.7 (MANE Select); coding-DNA position 617, T replaced by C.
Protein change: p.Leu206Pro; replaces leucine 206 with proline.
Molecular consequence: missense variant.
Genome position (GRCh38, 1-based): chr15:22,866,381, T>C. VCF-style: chr15-22866381-T-C. GRCh37 (hg19) VCF-style: chr15-23006687-A-G.
Other names: c.617T>C, p.Leu206Pro (NM_001008860.3, NM_001008892.3, NM_001184889.2 and 2 more transcripts); c.560T>C, p.Leu187Pro (NM_001008894.3, NM_001184888.2, NM_001438100.1); short protein forms L187P, L206P.
Identifiers: ClinVar variation 5002683 (VCV005002683.1).

ClinVar aggregate classification (germline): Uncertain significance (1 of 4 stars; one submission).

gnomAD v4.1: 1 of 1,614,118 alleles (0.000062%); highest among the groups gnomAD compares: South Asian, 0.0011%; no homozygotes.

Submission:

OLLIN Analises Genomicas, OLLIN
Classification: Uncertain significance. Last evaluated: 2026-08-06. Review status: criteria provided, single submitter. Criteria: ACMG Guidelines 2015 PMID 25741868. Collection method: clinical testing. Allele origin: germline.
Comment: This missense variant, located in exon 8 (of 8), has been observed in gnomAD with an allele frequency of 0.000062%, but has not been reported in ClinVar or identified in the literature. In silico analysis is inconclusive regarding the impact of this variant. According to the currently available evidence, this variant has been classified as uncertain significance (PM2_P).